The following is an entry in ClinVar:

ClinVar aggregate classification (germline): Likely benign (1 of 4 stars; one submission).

Allele frequency attached by ClinVar (database versions not stated): TOPMed 0.00002; ESP Exome Variant Server 0.00015; 1000 Genomes Project 30x 0.00031; 1000 Genomes Project 0.00040; ExAC 0.00054.
gnomAD v4.1: 583 of 1,613,614 alleles (0.036%); highest among the groups gnomAD compares: East Asian, 0.0045%; 3 homozygotes.

Submission:

CeGaT Center for Human Genetics Tuebingen
Classification: Likely benign. Last evaluated: 2024-08-01. Review status: criteria provided, single submitter. Criteria: CeGaT Center For Human Genetics Tuebingen Variant Classification Criteria Version 2. Collection method: clinical testing. Allele origin: germline. Affected: yes. Observed: 2 variant alleles.
Comment: KDM5B: BP4, BP7

NM_006618.5(KDM5B):c.3270G>A (p.Leu1090=)

Gene: KDM5B (lysine demethylase 5B; minus strand). Cytogenetic location: 1q32.1.
Variant type: single nucleotide variant.
Coding change: c.3270G>A on transcript NM_006618.5 (MANE Select); coding-DNA position 3270, G replaced by A.
Protein change: p.Leu1090=; no amino-acid change (leucine 1090 retained).
Molecular consequence: synonymous variant.
Genome position (GRCh38, 1-based): chr1:202,735,582, C>T on the plus strand (G>A on the coding strand, the complement: KDM5B is on the minus strand). VCF-style: chr1-202735582-C-T. GRCh37 (hg19) VCF-style: chr1-202704710-C-T.
Other names: c.3378G>A, p.Leu1126= (NM_001314042.2); c.3135G>A, p.Leu1045= (NM_001347591.2); c.3255G>A, p.Leu1085= (NM_001399817.1).
Identifiers: ClinVar variation 3250792 (VCV003250792.18), dbSNP rs141505414.